The following is an entry in ClinVar:

Conditions:
Breast-ovarian cancer, familial, susceptibility to, 1 (BROVCA1). Also called: BRCA1 Hereditary Breast and Ovarian Cancer; OVARIAN CANCER, SUSCEPTIBILITY TO. Identifiers: Orphanet 145, MedGen C2676676, MONDO:0011450, OMIM 604370. Disease mechanism: loss of function.

Allele frequency attached by ClinVar (database versions not stated): gnomAD exomes below 0.00001.
gnomAD v4.1: 1 of 1,614,040 alleles (0.000062%); highest among the groups gnomAD compares: South Asian, 0.0011%; no homozygotes.

Submission:

Brotman Baty Institute, University of Washington
No classification provided (evidence only). Condition: Breast-ovarian cancer, familial 1. Review status: no classification provided. Collection method: in vitro. Allele origin: not applicable. Functional consequence: functionally_normal.
ClinVar note: "not provided" was previously submitted as the classification for the variant. However, the classification appeared to be based only on an observation of functional data so it was converted to no classification on 2025-07-30.

NM_007294.4(BRCA1):c.5292A>G (p.Leu1764=)

Gene: BRCA1 (BRCA1 DNA repair associated; minus strand). Cytogenetic location: 17q21.31.
Variant type: single nucleotide variant.
Coding change: c.5292A>G on transcript NM_007294.4 (MANE Select); coding-DNA position 5292, A replaced by G.
Protein change: p.Leu1764=; no amino-acid change (leucine 1764 retained).
Molecular consequence: synonymous variant. On other transcripts: intron variant (2).
Genome position (GRCh38, 1-based): chr17:43,051,103, T>C on the plus strand (A>G on the coding strand, the complement: BRCA1 is on the minus strand). VCF-style: chr17-43051103-T-C. GRCh37 (hg19) VCF-style: chr17-41203120-T-C.
Other names: c.4956A>G, p.Leu1652= (NM_001407951.1, NM_001407952.1, NM_001407953.1 and 3 more transcripts); c.4953A>G, p.Leu1651= (NM_001407956.1, NM_001407957.1, NM_001407958.1); c.4911A>G, p.Leu1637= (NM_001407959.1); c.4908A>G, p.Leu1636= (NM_001407960.1, NM_001407962.1); c.4905A>G, p.Leu1635= (NM_001407963.1); c.4830A>G, p.Leu1610= (NM_001407964.1); c.4785A>G, p.Leu1595= (NM_001407965.1); c.4404A>G, p.Leu1468= (NM_001407966.1); and 74 more.
Identifiers: ClinVar variation 865270 (VCV000865270.3), dbSNP rs2051209584, ClinGen allele CA500143596.
Genomic context (GRCh38, chr17:43,051,103, plus strand): 5'-GGGTTCTCCCAGGCTCTTACCTGTGGGCATGTTGGTGAAGGGCCCATAGCAACAGATTTC[T>C]AGCCCCCTGAAGATCTGGAAGAAGAGAGGAAGAGAGAGGGACAGGGGAATGGAGAGAAGG-3'
Protein context (NP_009225.1, residues 1754-1774): ESQDRKIFRG[Leu1764=]EICCYGPFTN